The following is an entry in ClinVar:

NM_006995.5(BTN2A2):c.1282C>T (p.Arg428Trp)

Gene: BTN2A2 (butyrophilin subfamily 2 member A2; plus strand). Cytogenetic location: 6p22.2.
Variant type: single nucleotide variant.
Coding change: c.1282C>T on transcript NM_006995.5 (MANE Select); coding-DNA position 1282, C replaced by T.
Protein change: p.Arg428Trp; replaces arginine 428 with tryptophan.
Molecular consequence: missense variant. On other transcripts: 3 prime UTR variant (1), intron variant (1).
Genome position (GRCh38, 1-based): chr6:26,392,677, C>T. VCF-style: chr6-26392677-C-T. GRCh37 (hg19) VCF-style: chr6-26392905-C-T.
Other names: c.1282C>T, p.Arg428Trp (NM_001197237.2); c.652C>T, p.Arg218Trp (NM_001197239.2); c.*382C>T (NM_001197240.2); c.934C>T, p.Arg312Trp (NM_181531.3); c.980-1621C>T (NM_001197238.2); short protein forms R218W, R428W, R312W.
Identifiers: ClinVar variation 782472 (VCV000782472.5), dbSNP rs62617840, ClinGen allele CA3672651.

ClinVar aggregate classification (germline): Benign. Review status: criteria provided, single submitter (1 of 4 stars). 2 submissions from 2 submitters: Benign (1). 1 of the submissions does not count toward it. Last evaluated 2018-06-08.

Conditions:
BTN2A2-related disorder. Also called: BTN2A2-related condition.

Allele frequency attached by ClinVar (database versions not stated): gnomAD exomes 0.00078 and 0.00167; ExAC 0.00206; gnomAD 0.00549 and 0.00576; ESP Exome Variant Server 0.00569; 1000 Genomes Project 0.00619; TOPMed 0.00638; 1000 Genomes Project 30x 0.00750.
gnomAD v4.1: 2,010 of 1,614,178 alleles (0.12%); highest among the groups gnomAD compares: African/African-American, 1.9%; 15 homozygotes.

Submissions (2):

Labcorp Genetics (formerly Invitae), Labcorp
Classification: Benign. Last evaluated: 2018-06-08. Review status: criteria provided, single submitter. Criteria: Invitae Variant Classification Sherloc (09022015). Collection method: clinical testing. Allele origin: germline.

PreventionGenetics, part of Exact Sciences
Classification: Benign for BTN2A2-related condition. Last evaluated: 2019-08-29. Review status: no assertion criteria provided. Collection method: clinical testing. Allele origin: germline. Not counted in ClinVar's aggregate classification.
Comment: This variant is classified as benign based on ACMG/AMP sequence variant interpretation guidelines (Richards et al. 2015 PMID: 25741868, with internal and published modifications).